The following is an entry in ClinVar:

ClinVar aggregate classification (germline): Uncertain significance. Review status: criteria provided, multiple submitters, no conflicts (2 of 4 stars). 2 submissions from 2 submitters: Uncertain significance (2). Last evaluated 2024-05-17.

Conditions:
Microvascular complications of diabetes, susceptibility to, 3. Identifiers: MedGen C2675470, MONDO:0012963, OMIM 612624.
Hemorrhage, intracerebral, susceptibility to (ICH). Also called: Stroke, hemorrhagic, susceptibility to. Identifiers: MedGen C3281105, MONDO:0100533, OMIM 614519.
Renal tubular dysgenesis of genetic origin. Also called: PRIMITIVE RENAL TUBULE SYNDROME. Identifiers: Orphanet 97369, MedGen C5681536, MONDO:0009970, OMIM 267430.

Allele frequency attached by ClinVar (database versions not stated): gnomAD exomes 0.00003; gnomAD 0.00006; TOPMed 0.00006; ExAC 0.00008; ESP Exome Variant Server 0.00023.
gnomAD v4.1: 61 of 1,613,734 alleles (0.0038%); highest among the groups gnomAD compares: African/African-American, 0.019%; no homozygotes.

Submissions (2):

Fulgent Genetics
Classification: Uncertain significance for Renal tubular dysgenesis of genetic origin; Microvascular complications of diabetes, susceptibility to, 3; Hemorrhage, intracerebral, susceptibility to. Last evaluated: 2024-05-17. Review status: criteria provided, single submitter. Criteria: ACMG Guidelines, 2015. Collection method: clinical testing. Allele origin: germline.

Labcorp Genetics (formerly Invitae), Labcorp
Classification: Uncertain significance. Last evaluated: 2024-02-17. Review status: criteria provided, single submitter. Criteria: Invitae Variant Classification Sherloc (09022015). Collection method: clinical testing. Allele origin: germline.
Comment: This sequence change replaces proline, which is neutral and non-polar, with leucine, which is neutral and non-polar, at codon 803 of the ACE protein (p.Pro803Leu). This variant is present in population databases (rs367822781, gnomAD 0.02%). This variant has not been reported in the literature in individuals affected with ACE-related conditions. ClinVar contains an entry for this variant (Variation ID: 2160411). Advanced modeling of protein sequence and biophysical properties (such as structural, functional, and spatial information, amino acid conservation, physicochemical variation, residue mobility, and thermodynamic stability) performed at Invitae indicates that this missense variant is not expected to disrupt ACE protein function with a negative predictive value of 80%. In summary, the available evidence is currently insufficient to determine the role of this variant in disease. Therefore, it has been classified as a Variant of Uncertain Significance.

NM_000789.4(ACE):c.2408C>T (p.Pro803Leu)

Gene: ACE (angiotensin I converting enzyme; plus strand). Cytogenetic location: 17q23.3.
Variant type: single nucleotide variant.
Coding change: c.2408C>T on transcript NM_000789.4 (MANE Select); coding-DNA position 2408, C replaced by T.
Protein change: p.Pro803Leu; replaces proline 803 with leucine.
Molecular consequence: missense variant. On other transcripts: non-coding transcript variant (1).
Genome position (GRCh38, 1-based): chr17:63,488,750, C>T. VCF-style: chr17-63488750-C-T. GRCh37 (hg19) VCF-style: chr17-61566111-C-T.
Other names: c.686C>T, p.Pro229Leu (NM_001178057.2, NM_152830.3); c.1841C>T, p.Pro614Leu (NM_001382700.1); c.1556C>T, p.Pro519Leu (NM_001382701.1); c.338C>T, p.Pro113Leu (NM_001382702.1); short protein forms P113L, P229L, P519L, P614L, P803L.
Identifiers: ClinVar variation 2160411 (VCV002160411.5), dbSNP rs367822781, ClinGen allele CA8700086.